The following is an entry in ClinVar:

NM_014476.6(PDLIM3):c.715G>A (p.Asp239Asn)

Gene: PDLIM3 (PDZ and LIM domain 3; minus strand). Cytogenetic location: 4q35.1.
Variant type: single nucleotide variant.
Coding change: c.715G>A on transcript NM_014476.6 (MANE Select); coding-DNA position 715, G replaced by A.
Protein change: p.Asp239Asn; replaces aspartic acid 239 with asparagine.
Molecular consequence: missense variant. On other transcripts: non-coding transcript variant (1).
Genome position (GRCh38, 1-based): chr4:185,506,600, C>T on the plus strand (G>A on the coding strand, the complement: PDLIM3 is on the minus strand). VCF-style: chr4-185506600-C-T. GRCh37 (hg19) VCF-style: chr4-186427754-C-T.
Other names: p.D239N:GAC>AAC; c.571G>A, p.Asp191Asn (NM_001114107.5); c.451G>A, p.Asp151Asn (NM_001257962.2); c.214G>A, p.Asp72Asn (NM_001257963.2); short protein forms D239N, D191N, D72N, D151N.
Identifiers: ClinVar variation 201953 (VCV000201953.46), dbSNP rs142143310, ClinGen allele CA335485.

ClinVar aggregate classification (germline): Conflicting classifications of pathogenicity. Review status: criteria provided, conflicting classifications (1 of 4 stars). 6 submissions from 6 submitters: Uncertain significance (1); Likely benign (5). Last evaluated 2025-12-20.

Conditions:
Primary dilated cardiomyopathy (DCM). Also called: Dilated Cardiomyopathy. Identifiers: Orphanet 217604, MedGen C0007193, MeSH D002311, MONDO:0005021, HP:0001644. Inheritance: Various modes of inheritance.
Hypertrophic cardiomyopathy. Also called: HYPERTROPHIC MYOCARDIOPATHY. Identifiers: Orphanet 217569, MedGen C0007194, MeSH D002312, MONDO:0005045, HP:0001639.
Familial cardiomyopathy. Identifiers: MedGen C0264789, MONDO:0005217.

Allele frequency attached by ClinVar (database versions not stated): gnomAD exomes 0.00030 and 0.00073; gnomAD 0.00040 and 0.00046; TOPMed 0.00047; ExAC 0.00048; ESP Exome Variant Server 0.00054.
gnomAD v4.1: 547 of 1,611,612 alleles (0.034%); highest among the groups gnomAD compares: Admixed American, 0.015%; 1 homozygote.

Submissions (6):

Labcorp Genetics (formerly Invitae), Labcorp
Classification: Likely benign for Hypertrophic cardiomyopathy; Primary dilated cardiomyopathy. Last evaluated: 2025-12-20. Review status: criteria provided, single submitter. Criteria: Invitae Variant Classification Sherloc (09022015). Collection method: clinical testing. Allele origin: germline.

Women's Health and Genetics/Laboratory Corporation of America, LabCorp
Classification: Likely benign. Last evaluated: 2025-10-21. Review status: criteria provided, single submitter. Criteria: LabCorp Variant Classification Summary - May 2015. Collection method: clinical testing. Allele origin: germline.

CeGaT Center for Human Genetics Tuebingen
Classification: Likely benign. Last evaluated: 2023-07-01. Review status: criteria provided, single submitter. Criteria: CeGaT Center For Human Genetics Tuebingen Variant Classification Criteria Version 2. Collection method: clinical testing. Allele origin: germline. Affected: yes. Observed: 1 variant allele.
Comment: PDLIM3: BP4, BS1

GeneDx
Classification: Likely benign. Last evaluated: 2017-08-08. Review status: criteria provided, single submitter. Criteria: GeneDx Variant Classification Process June 2021. Collection method: clinical testing. Allele origin: germline. Affected: yes.

Stanford Center for Inherited Cardiovascular Disease, Stanford University
Classification: Likely benign. Last evaluated: 2017-01-18. Review status: criteria provided, single submitter. Criteria: ACMG Guidelines, 2015. Collection method: provider interpretation. Allele origin: germline.

Laboratory for Molecular Medicine, Mass General Brigham Personalized Medicine
Classification: Uncertain significance. Last evaluated: 2015-03-11. Review status: criteria provided, single submitter. Criteria: LMM Criteria. Collection method: clinical testing. Allele origin: germline. Observed: 1 variant allele.
Comment: Variant classified as Uncertain Significance - Favor Benign. The p.Asp239Asn var iant in PDLIM3 has not been previously reported in individuals with cardiomyopat hy, but has been identified 0.07% (49/66472) of European chromosomes by the Exom e Aggregation Consortium (ExAC; dbSNP rs14214331 0). Aspartic acid (Asp) at position 239 is not conserved in evolution and 3 mamm als (prairie vole and 2 bats) have an asparagine (Asn) at this position, suggest ing that this change may be tolerated. In summary, while the clinical significan ce of the p.Asp239Asn variant is uncertain, the presence of the variant amino ac id in other mammals combined with the frequency in the general population sugges ts that it is more likely to be benign.